The following is an entry in ClinVar:

ClinVar aggregate classification (germline): Benign/Likely benign. Review status: criteria provided, multiple submitters, no conflicts (2 of 4 stars). 2 submissions from 2 submitters: Benign (1); Likely benign (1). Last evaluated 2026-01-27.

Allele frequency attached by ClinVar (database versions not stated): gnomAD exomes 0.00018 and 0.00061; ExAC 0.00077; 1000 Genomes Project 30x 0.00219; 1000 Genomes Project 0.00220; gnomAD 0.00228 and 0.00242; TOPMed 0.00242; ESP Exome Variant Server 0.00285.

Submissions (2):

Labcorp Genetics (formerly Invitae), Labcorp
Classification: Benign. Last evaluated: 2026-01-27. Review status: criteria provided, single submitter. Criteria: Invitae Variant Classification Sherloc (09022015). Collection method: clinical testing. Allele origin: germline.

CeGaT Center for Human Genetics Tuebingen
Classification: Likely benign. Last evaluated: 2025-07-01. Review status: criteria provided, single submitter. Criteria: CeGaT Center For Human Genetics Tuebingen Variant Classification Criteria Version 2. Collection method: clinical testing. Allele origin: germline. Affected: yes. Observed: 1 variant allele.
Comment: TRAP1: BP4, BS2

NM_016292.3(TRAP1):c.89-5T>C

Gene: TRAP1 (TNF receptor associated protein 1; minus strand). Cytogenetic location: 16p13.3.
Variant type: single nucleotide variant.
Coding change: c.89-5T>C on transcript NM_016292.3 (MANE Select); 5 bases into the intron before coding-DNA position 89, T replaced by C.
Molecular consequence: intron variant.
Genome position (GRCh38, 1-based): chr16:3,690,990, A>G on the plus strand (T>C on the coding strand, the complement: TRAP1 is on the minus strand). VCF-style: chr16-3690990-A-G. GRCh37 (hg19) VCF-style: chr16-3740991-A-G.
Other names: c.89-1853T>C (NM_001272049.2).
Identifiers: ClinVar variation 721857 (VCV000721857.17), dbSNP rs191809536, ClinGen allele CA7868865.
Genomic context (GRCh38, chr16:3,690,990, plus strand): 5'-GTTTCGCCTGGGGCCCAACTGGGCTGTGGTCCTCCGAGGACACAGAATTGGTTTTCCTGA[A>G]AAGACAAATATGCAGAAAGAATGAGAATTAGGAAGACACGAGAAACAATATGGTAATTCG-3'